The following is an entry in ClinVar:

NM_024678.6(NARS2):c.1189C>T (p.Pro397Ser)

Gene: NARS2 (asparaginyl-tRNA synthetase 2, mitochondrial; minus strand). Cytogenetic location: 11q14.1.
Variant type: single nucleotide variant.
Coding change: c.1189C>T on transcript NM_024678.6 (MANE Select); coding-DNA position 1189, C replaced by T.
Protein change: p.Pro397Ser; replaces proline 397 with serine.
Molecular consequence: missense variant.
Genome position (GRCh38, 1-based): chr11:78,443,734, G>A on the plus strand (C>T on the coding strand, the complement: NARS2 is on the minus strand). VCF-style: chr11-78443734-G-A. GRCh37 (hg19) VCF-style: chr11-78154780-G-A.
Other names: c.508C>T, p.Pro170Ser (NM_001243251.2); short protein forms P170S, P397S.
Identifiers: ClinVar variation 1977644 (VCV001977644.5), dbSNP rs2496045977, ClinGen allele CA382179539.

ClinVar aggregate classification (germline): Uncertain significance (1 of 4 stars; one submission).

Submission:

Labcorp Genetics (formerly Invitae), Labcorp
Classification: Uncertain significance. Last evaluated: 2022-01-12. Review status: criteria provided, single submitter. Criteria: Invitae Variant Classification Sherloc (09022015). Collection method: clinical testing. Allele origin: germline.
Comment: This variant has not been reported in the literature in individuals affected with NARS2-related conditions. Algorithms developed to predict the effect of missense changes on protein structure and function (SIFT, PolyPhen-2, Align-GVGD) all suggest that this variant is likely to be disruptive. In summary, the available evidence is currently insufficient to determine the role of this variant in disease. Therefore, it has been classified as a Variant of Uncertain Significance. This variant is not present in population databases (gnomAD no frequency). This sequence change replaces proline, which is neutral and non-polar, with serine, which is neutral and polar, at codon 397 of the NARS2 protein (p.Pro397Ser).